The following is an entry in ClinVar:

ClinVar aggregate classification (germline): Uncertain significance (1 of 4 stars; one submission).

Conditions:
ALG6-congenital disorder of glycosylation 1C (CDG1C). Also called: CARBOHYDRATE-DEFICIENT GLYCOPROTEIN SYNDROME, TYPE I, WITH DEFICIENT GLYCOSYLATION OF DOLICHOL-LINKED OLIGOSACCHARIDE; CARBOHYDRATE-DEFICIENT GLYCOPROTEIN SYNDROME, TYPE V; Congenital disorder of glycosylation type 1C; Congenital disorder of glycosylation, type Ic; CDG Ic. Identifiers: Orphanet 79320, MedGen C2930997, MONDO:0011291, OMIM 603147.

Allele frequency attached by ClinVar (database versions not stated): gnomAD exomes below 0.00001.

Submission:

Labcorp Genetics (formerly Invitae), Labcorp
Classification: Uncertain significance for ALG6-congenital disorder of glycosylation 1C. Last evaluated: 2021-11-13. Review status: criteria provided, single submitter. Criteria: Invitae Variant Classification Sherloc (09022015). Collection method: clinical testing. Allele origin: germline.
Comment: In summary, the available evidence is currently insufficient to determine the role of this variant in disease. Therefore, it has been classified as a Variant of Uncertain Significance. Algorithms developed to predict the effect of missense changes on protein structure and function are either unavailable or do not agree on the potential impact of this missense change (SIFT: "Tolerated"; PolyPhen-2: "Possibly Damaging"; Align-GVGD: "Class C0"). This variant has not been reported in the literature in individuals affected with ALG6-related conditions. This variant is not present in population databases (gnomAD no frequency). This sequence change replaces leucine, which is neutral and non-polar, with phenylalanine, which is neutral and non-polar, at codon 371 of the ALG6 protein (p.Leu371Phe).

NM_013339.4(ALG6):c.1111C>T (p.Leu371Phe)

Gene: ALG6 (ALG6 alpha-1,3-glucosyltransferase; plus strand). Cytogenetic location: 1p31.3.
Variant type: single nucleotide variant.
Coding change: c.1111C>T on transcript NM_013339.4 (MANE Select); coding-DNA position 1111, C replaced by T.
Protein change: p.Leu371Phe; replaces leucine 371 with phenylalanine.
Molecular consequence: missense variant.
Genome position (GRCh38, 1-based): chr1:63,428,785, C>T. VCF-style: chr1-63428785-C-T. GRCh37 (hg19) VCF-style: chr1-63894456-C-T.
Other names: short protein forms L371F.
Identifiers: ClinVar variation 1408977 (VCV001408977.6), dbSNP rs764449670, ClinGen allele CA340639863.